The following is an entry in ClinVar:

ClinVar aggregate classification (germline): Uncertain significance (1 of 4 stars; one submission).

Allele frequency attached by ClinVar (database versions not stated): gnomAD exomes 0.00001.
gnomAD v4.1: 8 of 1,612,974 alleles (0.0005%); highest among the groups gnomAD compares: Non-Finnish European, 0.00068%; no homozygotes.

Submission:

Ambry Genetics
Classification: Uncertain significance. Last evaluated: 2022-03-08. Review status: criteria provided, single submitter. Criteria: Ambry Variant Classification Scheme 2023. Collection method: clinical testing. Allele origin: germline.
Comment: The p.T1300K variant (also known as c.3899C>A), located in coding exon 16 of the POLQ gene, results from a C to A substitution at nucleotide position 3899. The threonine at codon 1300 is replaced by lysine, an amino acid with similar properties. This amino acid position is conserved. In addition, this alteration is predicted to be tolerated by in silico analysis. Since supporting evidence is limited at this time, the clinical significance of this alteration remains unclear.

NM_199420.4(POLQ):c.3899C>A (p.Thr1300Lys)

Gene: POLQ (DNA polymerase theta; minus strand). Cytogenetic location: 3q13.33.
Variant type: single nucleotide variant.
Coding change: c.3899C>A on transcript NM_199420.4 (MANE Select); coding-DNA position 3899, C replaced by A.
Protein change: p.Thr1300Lys; replaces threonine 1300 with lysine.
Molecular consequence: missense variant.
Genome position (GRCh38, 1-based): chr3:121,489,032, G>T on the plus strand (C>A on the coding strand, the complement: POLQ is on the minus strand). VCF-style: chr3-121489032-G-T. GRCh37 (hg19) VCF-style: chr3-121207879-G-T.
Other names: short protein forms T1300K.
Identifiers: ClinVar variation 1735960 (VCV001735960.2), dbSNP rs2546786712, ClinGen allele CA354096691.
Genomic context (GRCh38, chr3:121,489,032, plus strand): 5'-TCTTCAAAATCACAGAGGACTAAACCTAAGTCAGAAACATGATTATTTTTAGTTTTGTTT[G>T]TTGTATAAGTACCTGTTTTTTCTTGTAGTCTAGAAATATTTAGAAAATTCTCATGCTGGC-3'
Protein context (NP_955452.3, residues 1290-1310): RLQEKTGTYT[Thr1300Lys]NKTKNNHVSD